The following is an entry in ClinVar:

NM_025207.5(FLAD1):c.292A>G (p.Met98Val)

Gene: FLAD1 (flavin adenine dinucleotide synthetase 1; plus strand). Cytogenetic location: 1q21.3.
Variant type: single nucleotide variant.
Coding change: c.292A>G on transcript NM_025207.5 (MANE Select); coding-DNA position 292, A replaced by G.
Protein change: p.Met98Val; replaces methionine 98 with valine.
Molecular consequence: missense variant. On other transcripts: initiator codon variant (2), 5 prime UTR variant (1).
Genome position (GRCh38, 1-based): chr1:154,983,986, A>G. VCF-style: chr1-154983986-A-G. GRCh37 (hg19) VCF-style: chr1-154956462-A-G.
Other names: c.1A>G, p.Met1Val (NM_001184891.2, NM_201398.3); c.-645A>G (NM_001184892.2); short protein forms M1V, M98V.
Identifiers: ClinVar variation 1312217 (VCV001312217.3), dbSNP rs1657447676, ClinGen allele CA342736863.

ClinVar aggregate classification (germline): Uncertain significance (1 of 4 stars; one submission).

Allele frequency attached by ClinVar (database versions not stated): TOPMed below 0.00001.

Submission:

GeneDx
Classification: Uncertain significance. Last evaluated: 2019-09-10. Review status: criteria provided, single submitter. Criteria: GeneDx Variant Classification Process June 2021. Collection method: clinical testing. Allele origin: germline. Affected: yes.
Comment: Not observed in large population cohorts (Lek et al., 2016); In silico analysis, which includes protein predictors and evolutionary conservation, supports that this variant does not alter protein structure/function; Has not been previously published as pathogenic or benign to our knowledge